The following is an entry in ClinVar:

NM_001354604.2(MITF):c.1096C>T (p.Arg366Ter)

Gene: MITF (melanocyte inducing transcription factor; plus strand). Cytogenetic location: 3p13.
Variant type: single nucleotide variant.
Coding change: c.1096C>T on transcript NM_001354604.2 (MANE Select); coding-DNA position 1096, C replaced by T.
Protein change: p.Arg366Ter; replaces arginine 366 with a stop codon.
Molecular consequence: nonsense.
Genome position (GRCh38, 1-based): chr3:69,959,337, C>T. VCF-style: chr3-69959337-C-T. GRCh37 (hg19) VCF-style: chr3-70008488-C-T.
Other names: c.1075C>T, p.Arg359Ter (NM_006722.3, NM_001354606.2); c.757C>T, p.Arg253Ter (NM_198158.3); c.1078C>T, p.Arg360Ter (NM_198159.3); c.1030C>T, p.Arg344Ter (NM_198177.3); c.589C>T, p.Arg197Ter (NM_198178.3); c.775C>T, p.Arg259Ter (NM_000248.4); c.922C>T, p.Arg308Ter (NM_001184967.2, NM_001354608.2); c.1093C>T, p.Arg365Ter (NM_001354605.2); and 1 more; short protein forms R197*, R253*, R259*, R308*, R343*, R344*, R359*, R360*.
Identifiers: ClinVar variation 995922 (VCV000995922.9), dbSNP rs2066482593, ClinGen allele CA353562016.

ClinVar aggregate classification (germline): Pathogenic. Review status: criteria provided, multiple submitters, no conflicts (2 of 4 stars). 6 submissions from 6 submitters: Pathogenic (4). 2 of the submissions do not count toward it. Last evaluated 2026-03-17.

Conditions:
MITF-related disorder. Also called: MITF-related condition.
Tietz syndrome (TADS). Also called: HYPOPIGMENTATION/DEAFNESS OF TIETZ; TIETZ ALBINISM-DEAFNESS SYNDROME; ALBINISM-DEAFNESS OF TIETZ. Identifiers: Orphanet 42665, MedGen C0391816, MONDO:0007077, OMIM 103500.
Waardenburg syndrome type 2A (WS2A). Also called: WAARDENBURG SYNDROME WITHOUT DYSTOPIA CANTHORUM. Identifiers: Orphanet 3440, MedGen C1860339, MONDO:0008671, OMIM 193510.
Melanoma, cutaneous malignant, susceptibility to, 8. Also called: Cutaneous malignant melanoma 8; MELANOMA AND RENAL CELL CARCINOMA, SUSCEPTIBILITY TO. Identifiers: Orphanet 293822, MedGen C3152204, MONDO:0013759, OMIM 614456.

Allele frequency attached by ClinVar (database versions not stated): gnomAD exomes below 0.00001; TOPMed below 0.00001.
gnomAD v4.1: 1 of 1,613,950 alleles (0.000062%); highest among the groups gnomAD compares: Non-Finnish European, 0.000085%; no homozygotes.

Submissions (6):

PreventionGenetics, part of Exact Sciences
Classification: Pathogenic for MITF-related condition. Last evaluated: 2026-03-17. Review status: criteria provided, single submitter. Criteria: ACMG Guidelines, 2015. Collection method: clinical testing. Allele origin: germline.
Comment: The MITF c.775C>T variant is predicted to result in premature protein termination (p.Arg259*). This variant was reported in the heterozygous state in several individuals with Waardenburg syndrome and one individual with nonsyndromic hearing loss, being de novo in at least one individual (described as c.895C>T, Nobukuni et al. 1996. PubMed ID: 8659547; Sun et al. 2016. PubMed ID: 27759048; Wang et al. 2021. PubMed ID: 34142234; described as p.Arg366*, Ramzan et al. 2023. PubMed ID: 37217689. This variant has not been reported in a large population database (gnomAD), indicating this variant is rare. Nonsense variants in MITF are expected to be pathogenic. This variant is interpreted as pathogenic.

GeneDx
Classification: Pathogenic. Last evaluated: 2024-11-26. Review status: criteria provided, single submitter. Criteria: GeneDx Variant Classification Process June 2021. Collection method: clinical testing. Allele origin: germline. Affected: yes.
Comment: Published functional studies demonstrate a damaging effect: eliminates the DNA binding ability of the MITF protein, resulting in failure to activate transcription at target promoters (PMID: 23787126); Nonsense variant predicted to result in protein truncation or nonsense mediated decay in a gene for which loss of function is a known mechanism of disease; Not observed at significant frequency in large population cohorts (gnomAD); This variant is associated with the following publications: (PMID: 34325055, 25525159, 27759048, 36331148, 34142234, 31213145, 20127975, 23787126, 8659547, 37217689)

Labcorp Genetics (formerly Invitae), Labcorp
Classification: Pathogenic for Melanoma, cutaneous malignant, susceptibility to, 8; Waardenburg syndrome type 2A; Tietz syndrome. Last evaluated: 2023-08-03. Review status: criteria provided, single submitter. Criteria: Invitae Variant Classification Sherloc (09022015). Collection method: clinical testing. Allele origin: germline.
Comment: For these reasons, this variant has been classified as Pathogenic. This variant is not present in population databases (gnomAD no frequency). This sequence change creates a premature translational stop signal (p.Arg259*) in the MITF gene. It is expected to result in an absent or disrupted protein product. Loss-of-function variants in MITF are known to be pathogenic (PMID: 8659547, 20127975). This premature translational stop signal has been observed in individual(s) with autosomal dominant Waardenburg syndrome (PMID: 8659547, 27759048, 31213145). This variant is also known as C(895)>T (259R>Stop). ClinVar contains an entry for this variant (Variation ID: 995922). Algorithms developed to predict the effect of variants on protein structure and function are not available or were not evaluated for this variant. Experimental studies have shown that this premature translational stop signal affects MITF function (PMID: 8659547, 23787126).

Genetic Testing Center for Deafness, Department of Otolaryngology Head & Neck Surgery, Institute of Otolaryngology, Chinese PLA General Hospital
Classification: Pathogenic for Waardenburg syndrome type 2A. Last evaluated: 2019-01-01. Review status: criteria provided, single submitter. Criteria: ACMG Guidelines, 2015. Collection method: clinical testing. Allele origin: inherited. Affected: yes.

Genome Diagnostics Laboratory, Amsterdam University Medical Center
Classification: Likely pathogenic. Review status: no assertion criteria provided. Collection method: clinical testing. Allele origin: germline. Affected: yes. Study: VKGL Data-share Consensus. Not counted in ClinVar's aggregate classification.

Joint Genome Diagnostic Labs from Nijmegen and Maastricht, Radboudumc and MUMC+
Classification: Pathogenic. Review status: no assertion criteria provided. Collection method: clinical testing. Allele origin: germline. Affected: yes. Study: VKGL Data-share Consensus. Not counted in ClinVar's aggregate classification.

Literature cited by the submitters: PubMed 8659547 (cited by Labcorp Genetics (formerly Invitae), Labcorp); PubMed 20127975 (cited by Labcorp Genetics (formerly Invitae), Labcorp); PubMed 27759048 (cited by Labcorp Genetics (formerly Invitae), Labcorp); PubMed 31213145 (cited by Labcorp Genetics (formerly Invitae), Labcorp); PubMed 23787126 (cited by Labcorp Genetics (formerly Invitae), Labcorp).